The following is an entry in ClinVar:

ClinVar aggregate classification (germline): Pathogenic. Review status: criteria provided, multiple submitters, no conflicts (2 of 4 stars). 9 submissions from 9 submitters: Pathogenic (7). 2 of the submissions do not count toward it. Last evaluated 2025-12-10.

Conditions:
BBS1-related disorder. Also called: BBS1-related condition.
Retinal dystrophy. Also called: Inherited retinal dystrophy. Identifiers: Orphanet 71862, MedGen C0854723, MeSH D058499, MONDO:0019118, HP:0000556.
Bardet-Biedl syndrome (BBS). Identifiers: Orphanet 110, MedGen C0752166, MONDO:0015229.
Bardet-Biedl syndrome 1 (BBS1). Identifiers: MedGen C2936862, MONDO:0008854, OMIM 209900. Disease mechanism: loss of function.

Allele frequency attached by ClinVar (database versions not stated): gnomAD 0.00001; gnomAD exomes 0.00001; TOPMed 0.00002.

Submissions (9):

PreventionGenetics, part of Exact Sciences
Classification: Pathogenic for BBS1-related condition. Last evaluated: 2025-12-10. Review status: criteria provided, single submitter. Criteria: ACMG Guidelines, 2015. Collection method: clinical testing. Allele origin: germline.
Comment: The BBS1 c.436C>T variant is predicted to result in premature protein termination (p.Arg146*). This variant was reported in the homozygous and compound heterozygous states in individuals with Bardet-Biedl syndrome (Beales et al. 2003. PubMed ID: 12677556; Leitch et al. 2008. PubMed ID: 18327255; Muller et al. 2010. PubMed ID: 20177705; M'hamdi et al. 2014. PubMed ID: 23432027). This variant is reported in 0.0040% of alleles in individuals of European (Finnish) descent in gnomAD. Nonsense variants in BBS1 are expected to be pathogenic. This variant is interpreted as pathogenic.

Natera, Inc.
Classification: Pathogenic for Bardet-Biedl syndrome type 1. Last evaluated: 2025-09-08. Review status: criteria provided, single submitter. Criteria: Natera Variant Classification Schema (03/2026). Collection method: clinical testing. Allele origin: germline.
Comment: The c.436C>T variant in BBS1 is a nonsense variant predicted to introduce a stop codon at amino acid 146. This variant is expected to result in nonsense mediated decay, truncation, or a dysfunctional protein product. This variant is rare in the general population with a frequency below the threshold expected for the associated phenotype(s). This variant has been observed in one or more individuals affected with the associated recessive disease, as either homozygous or compound heterozygous with a second variant (PMID: 23432027). Given the available evidence, this variant is classified as Pathogenic.

Labcorp Genetics (formerly Invitae), Labcorp
Classification: Pathogenic for Bardet-Biedl syndrome. Last evaluated: 2025-09-02. Review status: criteria provided, single submitter. Criteria: Invitae Variant Classification Sherloc (09022015). Collection method: clinical testing. Allele origin: germline.
Comment: This sequence change creates a premature translational stop signal (p.Arg146*) in the BBS1 gene. It is expected to result in an absent or disrupted protein product. Loss-of-function variants in BBS1 are known to be pathogenic (PMID: 12118255, 21520335, 27032803). The frequency data for this variant in the population databases is considered unreliable, as metrics indicate poor data quality at this position in the gnomAD database. This premature translational stop signal has been observed in individuals with Bardet-Biedl syndrome (PMID: 12677556, 12920096, 18327255, 20177705, 21052717). ClinVar contains an entry for this variant (Variation ID: 188752). For these reasons, this variant has been classified as Pathogenic.

Fulgent Genetics
Classification: Pathogenic for Bardet-Biedl syndrome 1. Last evaluated: 2022-02-12. Review status: criteria provided, single submitter. Criteria: ACMG Guidelines, 2015. Collection method: clinical testing. Allele origin: unknown.

Women's Health and Genetics/Laboratory Corporation of America, LabCorp
Classification: Pathogenic for Bardet-Biedl syndrome. Last evaluated: 2018-09-24. Review status: criteria provided, single submitter. Criteria: LabCorp Variant Classification Summary - May 2015. Collection method: clinical testing. Allele origin: germline.
Comment: Variant summary: BBS1 c.436C>T (p.Arg146X) results in a premature termination codon, predicted to cause a truncation of the encoded protein or absence of the protein due to nonsense mediated decay, which are commonly known mechanisms for disease. The variant allele was found at a frequency of 8.1e-06 in 246238 control chromosomes (gnomAD). c.436C>T has been reported in the literature in multiple individuals affected with Bardet-Biedl Syndrome (Beales_2003, Fauser_2003, M'Hanmdi_2014). These data indicate that the variant is very likely to be associated with disease. To our knowledge, no experimental evidence demonstrating an impact on protein function has been reported. A ClinVar submission from a clinical diagnostic laboratory (evaluation after 2014) cites the variant as pathogenic. Based on the evidence outlined above, the variant was classified as pathogenic.

GeneDx
Classification: Pathogenic. Last evaluated: 2018-04-26. Review status: criteria provided, single submitter. Criteria: GeneDx Variant Classification (06012015). Collection method: clinical testing. Allele origin: germline. Affected: yes.
Comment: The R146X variant in the BBS1 gene has been reported previously in the homozygous and compound heterozygous state in multiple individuals with Bardet-Biedl syndrome (M'hamdi et al., 2014; Muller et al., 2010; Leitch et al., 2008). This variant is predicted to cause loss of normal protein function either through protein truncation or nonsense-mediated mRNA decay. The R146X variant is observed in 1/22300 (0.004%) alleles from individuals of Finnish background (Lek et al., 2016). We interpret R146X as a pathogenic variant.

Institute of Human Genetics, Univ. Regensburg, Univ. Regensburg
Classification: Pathogenic for Retinal dystrophy. Last evaluated: 2009-01-01. Review status: criteria provided, single submitter. Criteria: ACMG Guidelines, 2015. Collection method: clinical testing. Allele origin: germline. Affected: yes.

Laboratory of Medical Genetics (UMR_S 1112), INSERM/Strasbourg University
Classification: Pathogenic for Bardet-Biedl syndrome. Last evaluated: 2018-09-15. Review status: no assertion criteria provided. Collection method: provider interpretation. Allele origin: germline. Affected: yes. Study: French fetal BBS cohort. Not counted in ClinVar's aggregate classification.

Counsyl
Classification: Likely pathogenic for Bardet-Biedl syndrome. Last evaluated: 2014-04-08. Review status: no assertion criteria provided. Collection method: literature only. Allele origin: unknown. Inheritance: Autosomal recessive inheritance. Not counted in ClinVar's aggregate classification.

Literature cited by the submitters: PubMed 23432027 (cited by 3 submitters); PubMed 12118255 (cited by Labcorp Genetics (formerly Invitae), Labcorp); PubMed 21520335 (cited by Labcorp Genetics (formerly Invitae), Labcorp); PubMed 27032803 (cited by Labcorp Genetics (formerly Invitae), Labcorp); PubMed 12677556 (cited by 4 submitters); PubMed 12920096 (cited by 3 submitters); PubMed 18327255 (cited by Labcorp Genetics (formerly Invitae), Labcorp and Counsyl); PubMed 20177705 (cited by Labcorp Genetics (formerly Invitae), Labcorp and Counsyl); PubMed 21052717 (cited by Labcorp Genetics (formerly Invitae), Labcorp and Counsyl); PubMed 25525159 (cited by Institute of Human Genetics, Univ. Regensburg, Univ. Regensburg); PubMed 31589614 (cited by Institute of Human Genetics, Univ. Regensburg, Univ. Regensburg); PubMed 31964843 (cited by Institute of Human Genetics, Univ. Regensburg, Univ. Regensburg); PubMed 31980526 (cited by Institute of Human Genetics, Univ. Regensburg, Univ. Regensburg); PubMed 32531858 (cited by Institute of Human Genetics, Univ. Regensburg, Univ. Regensburg); PubMed 35886001 (cited by Institute of Human Genetics, Univ. Regensburg, Univ. Regensburg); PubMed 35835773 (cited by Institute of Human Genetics, Univ. Regensburg, Univ. Regensburg); PubMed 30614526 (cited by Laboratory of Medical Genetics (UMR_S 1112), INSERM/Strasbourg University).

NM_024649.5(BBS1):c.436C>T (p.Arg146Ter)

Gene: BBS1 (Bardet-Biedl syndrome 1; plus strand). Cytogenetic location: 11q13.2.
Variant type: single nucleotide variant.
Coding change: c.436C>T on transcript NM_024649.5 (MANE Select); coding-DNA position 436, C replaced by T.
Protein change: p.Arg146Ter; replaces arginine 146 with a stop codon.
Molecular consequence: nonsense.
Genome position (GRCh38, 1-based): chr11:66,515,543, C>T. VCF-style: chr11-66515543-C-T. GRCh37 (hg19) VCF-style: chr11-66283014-C-T.
Other names: short protein forms R146*.
Identifiers: ClinVar variation 188752 (VCV000188752.23), dbSNP rs786204444, ClinGen allele CA273912.